The following is an entry in ClinVar:

ClinVar aggregate classification (germline): Uncertain significance (1 of 4 stars; one submission).

Conditions:
Hereditary cancer-predisposing syndrome. Also called: Neoplastic Syndromes, Hereditary; Tumor predisposition; Hereditary neoplastic syndrome; Hereditary Cancer Syndrome. Identifiers: Orphanet 140162, MedGen C0027672, MeSH D009386, MONDO:0015356.

Submission:

Ambry Genetics
Classification: Uncertain significance for Hereditary cancer-predisposing syndrome. Last evaluated: 2019-09-09. Review status: criteria provided, single submitter. Criteria: Ambry Variant Classification Scheme 2023. Collection method: clinical testing. Allele origin: germline.
Comment: The p.M176T variant (also known as c.527T>C), located in coding exon 3 of the FLCN gene, results from a T to C substitution at nucleotide position 527. The methionine at codon 176 is replaced by threonine, an amino acid with similar properties. This amino acid position is not well conserved in available vertebrate species. In addition, the in silico prediction for this alteration is inconclusive. Since supporting evidence is limited at this time, the clinical significance of this alteration remains unclear.

NM_144997.7(FLCN):c.527T>C (p.Met176Thr)

Gene: FLCN (folliculin; minus strand). Cytogenetic location: 17p11.2.
Variant type: single nucleotide variant.
Coding change: c.527T>C on transcript NM_144997.7 (MANE Select); coding-DNA position 527, T replaced by C.
Protein change: p.Met176Thr; replaces methionine 176 with threonine.
Molecular consequence: missense variant.
Genome position (GRCh38, 1-based): chr17:17,224,013, A>G on the plus strand (T>C on the coding strand, the complement: FLCN is on the minus strand). VCF-style: chr17-17224013-A-G. GRCh37 (hg19) VCF-style: chr17-17127327-A-G.
Other names: c.581T>C, p.Met194Thr (NM_001353229.2); c.527T>C, p.Met176Thr (NM_001353230.2, NM_001353231.2, NM_144606.7); short protein forms M176T, M194T.
Identifiers: ClinVar variation 825612 (VCV000825612.4), dbSNP rs1597606818, ClinGen allele CA398534359.
Genomic context (GRCh38, chr17:17,224,013, plus strand): 5'-ATTCCCCGGACCTTCCCCAGCAGGAAGGGCCAGGAGTTGATGAGGTAGATCCGGTCCATC[A>G]TGATGGTGATGATGCTGTACCAGCGCTGGAAGCCCCTGGCCAGGCTGTCCTTGATGAAGA-3'
Protein context (NP_659434.2, residues 166-186): FQRWYSIITI[Met176Thr]MDRIYLINSW